The following is an entry in ClinVar:

NM_002470.4(MYH3):c.3719C>T (p.Ser1240Leu)

Gene: MYH3 (myosin heavy chain 3; minus strand). Cytogenetic location: 17p13.1.
Variant type: single nucleotide variant.
Coding change: c.3719C>T on transcript NM_002470.4 (MANE Select); coding-DNA position 3719, C replaced by T.
Protein change: p.Ser1240Leu; replaces serine 1240 with leucine.
Molecular consequence: missense variant.
Genome position (GRCh38, 1-based): chr17:10,638,053, G>A on the plus strand (C>T on the coding strand, the complement: MYH3 is on the minus strand). VCF-style: chr17-10638053-G-A. GRCh37 (hg19) VCF-style: chr17-10541370-G-A.
Other names: c.3719C>T (NM_002470.3); short protein forms S1240L.
Identifiers: ClinVar variation 1621923 (VCV001621923.10), dbSNP rs551363957, ClinGen allele CA8392448.
Genomic context (GRCh38, chr17:10,638,053, plus strand): 5'-CGGAGTGTGTCTGATGGAAAGCCTTGAGCCACCCCCACCCCGCGCAGCACCTTAGATTTC[G>A]ACACACTCTCCATGCTGCTGGAGAGGTCATCGATCTCCAGCTTGAACTCGCTCTTCTCCT-3'
Protein context (NP_002461.2, residues 1230-1250): DDLSSSMESV[Ser1240Leu]KSKANLEKIC

ClinVar aggregate classification (germline): Conflicting classifications of pathogenicity. Review status: criteria provided, conflicting classifications (1 of 4 stars). 2 submissions from 2 submitters: Uncertain significance (1); Likely benign (1). Last evaluated 2025-06-10.

Allele frequency attached by ClinVar (database versions not stated): gnomAD exomes 0.00023; ExAC 0.00031; 1000 Genomes Project 30x 0.00047; 1000 Genomes Project 0.00060.
gnomAD v4.1: 209 of 1,613,722 alleles (0.013%); highest among the groups gnomAD compares: South Asian, 0.17%; 1 homozygote.

Submissions (2):

Labcorp Genetics (formerly Invitae), Labcorp
Classification: Likely benign. Last evaluated: 2025-06-10. Review status: criteria provided, single submitter. Criteria: Invitae Variant Classification Sherloc (09022015). Collection method: clinical testing. Allele origin: germline.

GeneDx
Classification: Uncertain significance. Last evaluated: 2024-11-19. Review status: criteria provided, single submitter. Criteria: GeneDx Variant Classification Process June 2021. Collection method: clinical testing. Allele origin: germline.
Comment: In silico analysis supports that this missense variant has a deleterious effect on protein structure/function; Has not been previously published as pathogenic or benign to our knowledge; In silico analysis suggests this variant may impact gene splicing. In the absence of RNA/functional studies, the actual effect of this sequence change is unknown.